The following is an entry in ClinVar:

ClinVar aggregate classification (germline): Uncertain significance (1 of 4 stars; one submission).

Conditions:
Aortic aneurysm, familial thoracic 7 (AAT7). Also called: AORTIC DISSECTION, FAMILIAL, WITH OR WITHOUT AORTIC ANEURYSM. Identifiers: MedGen C3151077, MONDO:0013418, OMIM 613780.

Allele frequency attached by ClinVar (database versions not stated): gnomAD exomes below 0.00001; ExAC 0.00001; TOPMed 0.00001.
gnomAD v4.1: 1 of 1,614,160 alleles (0.000062%); highest among the groups gnomAD compares: African/African-American, 0.0013%; no homozygotes.

Submission:

Labcorp Genetics (formerly Invitae), Labcorp
Classification: Uncertain significance for Aortic aneurysm, familial thoracic 7. Last evaluated: 2024-12-18. Review status: criteria provided, single submitter. Criteria: Invitae Variant Classification Sherloc (09022015). Collection method: clinical testing. Allele origin: germline.
Comment: This sequence change replaces arginine, which is basic and polar, with glycine, which is neutral and non-polar, at codon 385 of the MYLK protein (p.Arg385Gly). This variant is present in population databases (rs777019877, gnomAD 0.007%). This variant has not been reported in the literature in individuals affected with MYLK-related conditions. ClinVar contains an entry for this variant (Variation ID: 1407808). Invitae Evidence Modeling of protein sequence and biophysical properties (such as structural, functional, and spatial information, amino acid conservation, physicochemical variation, residue mobility, and thermodynamic stability) indicates that this missense variant is not expected to disrupt MYLK protein function with a negative predictive value of 95%. In summary, the available evidence is currently insufficient to determine the role of this variant in disease. Therefore, it has been classified as a Variant of Uncertain Significance.

NM_053025.4(MYLK):c.1153A>G (p.Arg385Gly)

Gene: MYLK (myosin light chain kinase; minus strand). Cytogenetic location: 3q21.1.
Variant type: single nucleotide variant.
Coding change: c.1153A>G on transcript NM_053025.4 (MANE Select); coding-DNA position 1153, A replaced by G.
Protein change: p.Arg385Gly; replaces arginine 385 with glycine.
Molecular consequence: missense variant.
Genome position (GRCh38, 1-based): chr3:123,733,843, T>C on the plus strand (A>G on the coding strand, the complement: MYLK is on the minus strand). VCF-style: chr3-123733843-T-C. GRCh37 (hg19) VCF-style: chr3-123452690-T-C.
Other names: c.625A>G, p.Arg209Gly (NM_001321309.2); c.1153A>G, p.Arg385Gly (NM_053026.4, NM_053027.4, NM_053028.4); short protein forms R385G, R209G.
Identifiers: ClinVar variation 1407808 (VCV001407808.6), dbSNP rs777019877, ClinGen allele CA066736.